The following is an entry in ClinVar:

NM_001282933.2(ZNF341):c.640G>A (p.Gly214Arg)

Gene: ZNF341 (zinc finger protein 341; plus strand). Cytogenetic location: 20q11.22.
Variant type: single nucleotide variant.
Coding change: c.640G>A on transcript NM_001282933.2 (MANE Select); coding-DNA position 640, G replaced by A.
Protein change: p.Gly214Arg; replaces glycine 214 with arginine.
Molecular consequence: missense variant. On other transcripts: non-coding transcript variant (1).
Genome position (GRCh38, 1-based): chr20:33,753,322, G>A. VCF-style: chr20-33753322-G-A. GRCh37 (hg19) VCF-style: chr20-32341128-G-A.
Other names: c.370G>A, p.Gly124Arg (NM_001282935.2); c.640G>A, p.Gly214Arg (NM_032819.5); short protein forms G124R, G214R.
Identifiers: ClinVar variation 1499788 (VCV001499788.6), dbSNP rs2122664819, ClinGen allele CA408649890.

ClinVar aggregate classification (germline): Uncertain significance (1 of 4 stars; one submission).

gnomAD v4.1: 1 of 1,611,156 alleles (0.000062%); highest among the groups gnomAD compares: Non-Finnish European, 0.000085%; no homozygotes.

Submission:

Labcorp Genetics (formerly Invitae), Labcorp
Classification: Uncertain significance. Last evaluated: 2021-11-19. Review status: criteria provided, single submitter. Criteria: Invitae Variant Classification Sherloc (09022015). Collection method: clinical testing. Allele origin: germline.
Comment: Algorithms developed to predict the effect of missense changes on protein structure and function output the following: SIFT: "Tolerated"; PolyPhen-2: "Benign"; Align-GVGD: "Class C0". The arginine amino acid residue is found in multiple mammalian species, which suggests that this missense change does not adversely affect protein function. This variant has not been reported in the literature in individuals affected with ZNF341-related conditions. This variant is not present in population databases (gnomAD no frequency). This sequence change replaces glycine, which is neutral and non-polar, with arginine, which is basic and polar, at codon 214 of the ZNF341 protein (p.Gly214Arg). In summary, the available evidence is currently insufficient to determine the role of this variant in disease. Therefore, it has been classified as a Variant of Uncertain Significance. Algorithms developed to predict the effect of sequence changes on RNA splicing suggest that this variant may create or strengthen a splice site.